The following is an entry in ClinVar:

NM_003803.4(MYOM1):c.2609A>G (p.Gln870Arg)

Gene: MYOM1 (myomesin 1; minus strand). Cytogenetic location: 18p11.31.
Variant type: single nucleotide variant.
Coding change: c.2609A>G on transcript NM_003803.4 (MANE Select); coding-DNA position 2609, A replaced by G.
Protein change: p.Gln870Arg; replaces glutamine 870 with arginine.
Molecular consequence: missense variant. On other transcripts: intron variant (1).
Genome position (GRCh38, 1-based): chr18:3,129,417, T>C on the plus strand (A>G on the coding strand, the complement: MYOM1 is on the minus strand). VCF-style: chr18-3129417-T-C. GRCh37 (hg19) VCF-style: chr18-3129415-T-C.
Other names: c.2506+1958A>G (NM_019856.2); short protein forms Q870R.
Identifiers: ClinVar variation 4752738 (VCV004752738.1).

ClinVar aggregate classification (germline): Uncertain significance (1 of 4 stars; one submission).

Conditions:
Hypertrophic cardiomyopathy. Also called: HYPERTROPHIC MYOCARDIOPATHY. Identifiers: Orphanet 217569, MedGen C0007194, MeSH D002312, MONDO:0005045, HP:0001639.

gnomAD v4.1: 3 of 1,613,982 alleles (0.00019%); highest among the groups gnomAD compares: South Asian, 0.0033%; no homozygotes.

Submission:

Labcorp Genetics (formerly Invitae), Labcorp
Classification: Uncertain significance for Hypertrophic cardiomyopathy. Last evaluated: 2025-08-10. Review status: criteria provided, single submitter. Criteria: Invitae Variant Classification Sherloc (09022015). Collection method: clinical testing. Allele origin: germline.
Comment: This sequence change replaces glutamine, which is neutral and polar, with arginine, which is basic and polar, at codon 870 of the MYOM1 protein (p.Gln870Arg). This variant is present in population databases (rs756547489, gnomAD 0.006%). This variant has not been reported in the literature in individuals affected with MYOM1-related conditions. An algorithm developed to predict the effect of missense changes on protein structure and function (PolyPhen-2) suggests that this variant is likely to be tolerated. In summary, the available evidence is currently insufficient to determine the role of this variant in disease. Therefore, it has been classified as a Variant of Uncertain Significance.